The following is an entry in ClinVar:

ClinVar aggregate classification (germline): Conflicting classifications of pathogenicity. Review status: criteria provided, conflicting classifications (1 of 4 stars). 4 submissions from 4 submitters: Uncertain significance (3); Likely benign (1). Last evaluated 2025-12-19.

Conditions:
Familial thoracic aortic aneurysm and aortic dissection (TAAD). Also called: Thoracic aortic aneurysms and dissections. Identifiers: Orphanet 91387, MedGen C4707243, MONDO:0019625.
Marfan syndrome (MFS). Also called: Marfan syndrome, classic; Marfan syndrome type 1; Marfan's syndrome; FBN1-Related Marfan Syndrome; MARFAN SYNDROME, TYPE I. Identifiers: Orphanet 284963, Orphanet 558, MedGen C0024796, MONDO:0007947, OMIM 154700.

Allele frequency attached by ClinVar (database versions not stated): TOPMed below 0.00001; gnomAD 0.00001; gnomAD exomes below 0.00001.
gnomAD v4.1: 25 of 1,613,750 alleles (0.0015%); highest among the groups gnomAD compares: Non-Finnish European, 0.0021%; no homozygotes.

Submissions (4):

Labcorp Genetics (formerly Invitae), Labcorp
Classification: Likely benign for Marfan syndrome; Familial thoracic aortic aneurysm and aortic dissection. Last evaluated: 2025-12-19. Review status: criteria provided, single submitter. Criteria: Invitae Variant Classification Sherloc (09022015). Collection method: clinical testing. Allele origin: germline.

All of Us Research Program, National Institutes of Health
Classification: Uncertain significance for Marfan syndrome. Last evaluated: 2024-05-30. Review status: criteria provided, single submitter. Criteria: ACMG Guidelines, 2015. Collection method: clinical testing. Allele origin: germline. Inheritance: Autosomal dominant inheritance. Observed: 3 variant alleles, 3 heterozygotes.
Comment: This variant causes a C to G nucleotide substitution at the -6 position of intron 35/65 of the FBN1 gene. Splice prediction tools are inconclusive regarding the impact of this variant on RNA splicing. To our knowledge, functional studies have not been reported for this variant. This variant has not been reported in individuals affected with FBN1-related disorders in the literature. This variant has been identified in 1/250984 chromosomes in the general population by the Genome Aggregation Database (gnomAD). The available evidence is insufficient to determine the role of this variant in disease conclusively. Therefore, this variant is classified as a Variant of Uncertain Significance.

This study involves interpretation of variants in research participants for the purpose of population health screening. Participant phenotype was not available at the time of variant classification. Additional details can be found in publication PMID: 35346344, PMCID: PMC8962531

Color Diagnostics, LLC DBA Color Health
Classification: Uncertain significance for Familial thoracic aortic aneurysm and aortic dissection. Last evaluated: 2024-03-11. Review status: criteria provided, single submitter. Criteria: ACMG Guidelines, 2015. Collection method: clinical testing. Allele origin: germline.
Comment: This variant causes a C to G nucleotide substitution at the -6 position of intron 35/65 of the FBN1 gene. Splice prediction tools are inconclusive regarding the impact of this variant on RNA splicing. To our knowledge, functional studies have not been reported for this variant. This variant has not been reported in individuals affected with FBN1-related disorders in the literature. This variant has been identified in 1/250984 chromosomes in the general population by the Genome Aggregation Database (gnomAD). The available evidence is insufficient to determine the role of this variant in disease conclusively. Therefore, this variant is classified as a Variant of Uncertain Significance.

Blueprint Genetics
Classification: Uncertain significance. Last evaluated: 2023-03-28. Review status: criteria provided, single submitter. Criteria: ACMG Guidelines, 2015. Collection method: clinical testing. Allele origin: germline.

NM_000138.5(FBN1):c.4337-6C>G

Gene: FBN1 (fibrillin 1; minus strand). Cytogenetic location: 15q21.1.
Variant type: single nucleotide variant.
Coding change: c.4337-6C>G on transcript NM_000138.5 (MANE Select); 6 bases into the intron before coding-DNA position 4337, C replaced by G.
Molecular consequence: intron variant.
Genome position (GRCh38, 1-based): chr15:48,470,762, G>C on the plus strand (C>G on the coding strand, the complement: FBN1 is on the minus strand). VCF-style: chr15-48470762-G-C. GRCh37 (hg19) VCF-style: chr15-48762959-G-C.
Identifiers: ClinVar variation 928321 (VCV000928321.9), dbSNP rs1225924246, ClinGen allele CA617840760.